The following is an entry in ClinVar:

ClinVar aggregate classification (germline): Uncertain significance (1 of 4 stars; one submission).

Conditions:
Bardet-Biedl syndrome (BBS). Identifiers: Orphanet 110, MedGen C0752166, MONDO:0015229.

Allele frequency attached by ClinVar (database versions not stated): gnomAD exomes below 0.00001; TOPMed below 0.00001.
gnomAD v4.1: 6 of 1,610,702 alleles (0.00037%); highest among the groups gnomAD compares: Non-Finnish European, 0.00034%; no homozygotes.

Submission:

Labcorp Genetics (formerly Invitae), Labcorp
Classification: Uncertain significance for Bardet-Biedl syndrome. Last evaluated: 2019-09-08. Review status: criteria provided, single submitter. Criteria: Invitae Variant Classification Sherloc (09022015). Collection method: clinical testing. Allele origin: germline.
Comment: Algorithms developed to predict the effect of sequence changes on RNA splicing suggest that this variant is not likely to affect RNA splicing, but this prediction has not been confirmed by published transcriptional studies. This sequence change affects codon 346 of the BBS7 mRNA. It is a 'silent' change, meaning that it does not change the encoded amino acid sequence of the BBS7 protein. This variant is not present in population databases (ExAC no frequency). This variant has not been reported in the literature in individuals with BBS7-related conditions. In summary, the available evidence is currently insufficient to determine the role of this variant in disease. Therefore, it has been classified as a Variant of Uncertain Significance.

NM_176824.3(BBS7):c.1038G>A (p.Arg346=)

Gene: BBS7 (Bardet-Biedl syndrome 7; minus strand). Cytogenetic location: 4q27.
Variant type: single nucleotide variant.
Coding change: c.1038G>A on transcript NM_176824.3 (MANE Select); coding-DNA position 1038, G replaced by A.
Protein change: p.Arg346=; no amino-acid change (arginine 346 retained).
Molecular consequence: synonymous variant.
Genome position (GRCh38, 1-based): chr4:121,845,696, C>T on the plus strand (G>A on the coding strand, the complement: BBS7 is on the minus strand). VCF-style: chr4-121845696-C-T. GRCh37 (hg19) VCF-style: chr4-122766851-C-T.
Other names: c.1038G>A, p.Arg346= (NM_018190.4).
Identifiers: ClinVar variation 954479 (VCV000954479.6), dbSNP rs989502021, ClinGen allele CA104762634.